The following is an entry in ClinVar:

NM_019597.5(HNRNPH2):c.476T>A (p.Phe159Tyr)

Genes: HNRNPH2 (heterogeneous nuclear ribonucleoprotein H2; plus strand), RPL36A-HNRNPH2 (RPL36A-HNRNPH2 readthrough; plus strand). Cytogenetic location: Xq22.1.
Variant type: single nucleotide variant.
Coding change: c.476T>A on transcript NM_019597.5 (MANE Select); coding-DNA position 476, T replaced by A.
Protein change: p.Phe159Tyr; replaces phenylalanine 159 with tyrosine.
Molecular consequence: missense variant. On other transcripts: 3 prime UTR variant (2).
Genome position (GRCh38, 1-based): chrX:101,412,464, T>A. VCF-style: chrX-101412464-T-A. GRCh37 (hg19) VCF-style: chrX-100667452-T-A.
Other names: c.*472T>A (NM_001199973.2, NM_001199974.2); c.476T>A, p.Phe159Tyr (NM_001032393.3); short protein forms F159Y.
Identifiers: ClinVar variation 2692571 (VCV002692571.1), dbSNP rs2520984027, ClinGen allele CA413942251.

ClinVar aggregate classification (germline): Uncertain significance (1 of 4 stars; one submission).

Submission:

Greenwood Genetic Center Diagnostic Laboratories, Greenwood Genetic Center
Classification: Uncertain significance. Last evaluated: 2023-10-25. Review status: criteria provided, single submitter. Criteria: ACMG Guidelines, 2015. Collection method: clinical testing. Allele origin: germline. Affected: yes.
Comment: PM2, PP2